The following is an entry in ClinVar:

NM_001371986.1(UNC80):c.9577C>T (p.Leu3193Phe)

Gene: UNC80 (unc-80 subunit of NALCN channel complex; plus strand). Cytogenetic location: 2q34.
Variant type: single nucleotide variant.
Coding change: c.9577C>T on transcript NM_001371986.1 (MANE Select); coding-DNA position 9577, C replaced by T.
Protein change: p.Leu3193Phe; replaces leucine 3193 with phenylalanine.
Molecular consequence: missense variant.
Genome position (GRCh38, 1-based): chr2:209,994,133, C>T. VCF-style: chr2-209994133-C-T. GRCh37 (hg19) VCF-style: chr2-210858857-C-T.
Other names: c.9379C>T, p.Leu3127Phe (NM_032504.2); c.9307C>T, p.Leu3103Phe (NM_182587.4); short protein forms L3127F, L3103F, L3193F.
Identifiers: ClinVar variation 2103253 (VCV002103253.4), dbSNP rs2093442473, ClinGen allele CA350415823.

ClinVar aggregate classification (germline): Uncertain significance (1 of 4 stars; one submission).

Allele frequency attached by ClinVar (database versions not stated): TOPMed below 0.00001.

Submission:

Labcorp Genetics (formerly Invitae), Labcorp
Classification: Uncertain significance. Last evaluated: 2022-03-07. Review status: criteria provided, single submitter. Criteria: Invitae Variant Classification Sherloc (09022015). Collection method: clinical testing. Allele origin: germline.
Comment: This variant has not been reported in the literature in individuals affected with UNC80-related conditions. This variant is not present in population databases (gnomAD no frequency). This sequence change replaces leucine, which is neutral and non-polar, with phenylalanine, which is neutral and non-polar, at codon 3127 of the UNC80 protein (p.Leu3127Phe). Algorithms developed to predict the effect of missense changes on protein structure and function output the following: SIFT: "Not Available"; PolyPhen-2: "Benign"; Align-GVGD: "Not Available". The phenylalanine amino acid residue is found in multiple mammalian species, which suggests that this missense change does not adversely affect protein function. In summary, the available evidence is currently insufficient to determine the role of this variant in disease. Therefore, it has been classified as a Variant of Uncertain Significance.